The following is an entry in ClinVar:

NM_006506.5(RASA2):c.14C>T (p.Ala5Val)

Genes: RASA2 (RAS p21 protein activator 2; plus strand), LOC129937686 (ATAC-STARR-seq lymphoblastoid silent region 14777; plus strand). Cytogenetic location: 3q23.
Variant type: single nucleotide variant.
Coding change: c.14C>T on transcript NM_006506.5 (MANE Select); coding-DNA position 14, C replaced by T.
Protein change: p.Ala5Val; replaces alanine 5 with valine.
Molecular consequence: missense variant.
Genome position (GRCh38, 1-based): chr3:141,487,097, C>T. VCF-style: chr3-141487097-C-T. GRCh37 (hg19) VCF-style: chr3-141205939-C-T.
Other names: c.14C>T, p.Ala5Val (NM_001303245.3, NM_001303246.3); short protein forms A5V.
Identifiers: ClinVar variation 3430470 (VCV003430470.3).

ClinVar aggregate classification (germline): Uncertain significance. Review status: criteria provided, multiple submitters, no conflicts (2 of 4 stars). 2 submissions from 2 submitters: Uncertain significance (2). Last evaluated 2025-12-19.

gnomAD v4.1: 10 of 1,381,086 alleles (0.00072%); highest among the groups gnomAD compares: Admixed American, 0.02%; no homozygotes.

Submissions (2):

Labcorp Genetics (formerly Invitae), Labcorp
Classification: Uncertain significance. Last evaluated: 2025-12-19. Review status: criteria provided, single submitter. Criteria: Invitae Variant Classification Sherloc (09022015). Collection method: clinical testing. Allele origin: germline.
Comment: This sequence change replaces alanine, which is neutral and non-polar, with valine, which is neutral and non-polar, at codon 5 of the RASA2 protein (p.Ala5Val). The frequency data for this variant in the population databases is considered unreliable, as metrics indicate poor data quality at this position in the gnomAD database. This variant has not been reported in the literature in individuals affected with RASA2-related conditions. ClinVar contains an entry for this variant (Variation ID: 3430470). Experimental studies and prediction algorithms are not available or were not evaluated, and the functional significance of this variant is currently unknown. In summary, the available evidence is currently insufficient to determine the role of this variant in disease. Therefore, it has been classified as a Variant of Uncertain Significance.

Ambry Genetics
Classification: Uncertain significance. Last evaluated: 2025-07-14. Review status: criteria provided, single submitter. Criteria: Ambry Variant Classification Scheme 2023. Collection method: clinical testing. Allele origin: germline.